The following is an entry in ClinVar:

NM_005732.4(RAD50):c.3118del (p.Gln1040fs)

Gene: RAD50 (RAD50 double strand break repair protein; plus strand). Cytogenetic location: 5q31.1.
Variant type: Deletion.
Coding change: c.3118del on transcript NM_005732.4 (MANE Select); coding-DNA position 3118, one base deleted (C; older notation c.3118delC).
Protein change: p.Gln1040fs; shifts the reading frame from glutamine 1040.
Molecular consequence: frameshift variant.
Genome position (GRCh38, 1-based): chr5:132,616,084, C deleted. VCF-style (leftmost placement, unchanged base first): chr5-132616083-AC-A. GRCh37 (hg19) VCF-style: chr5-131951775-AC-A.
Other names: short protein forms Q1040fs.
Identifiers: ClinVar variation 1399292 (VCV001399292.6), dbSNP rs2149852978, ClinGen allele CA2573138946.

ClinVar aggregate classification (germline): Pathogenic (1 of 4 stars; one submission).

Conditions:
Hereditary cancer-predisposing syndrome. Also called: Hereditary Cancer Syndrome; Hereditary neoplastic syndrome; Tumor predisposition; Neoplastic Syndromes, Hereditary. Identifiers: Orphanet 140162, MedGen C0027672, MeSH D009386, MONDO:0015356.

Submission:

Labcorp Genetics (formerly Invitae), Labcorp
Classification: Pathogenic for Hereditary cancer-predisposing syndrome. Last evaluated: 2022-01-28. Review status: criteria provided, single submitter. Criteria: Invitae Variant Classification Sherloc (09022015). Collection method: clinical testing. Allele origin: germline.
Comment: For these reasons, this variant has been classified as Pathogenic. This variant has not been reported in the literature in individuals affected with RAD50-related conditions. This variant is not present in population databases (gnomAD no frequency). This sequence change creates a premature translational stop signal (p.Gln1040Asnfs*3) in the RAD50 gene. It is expected to result in an absent or disrupted protein product. Loss-of-function variants in RAD50 are known to be pathogenic (PMID: 19409520).

Literature cited by the submitters: PubMed 19409520.